The following is an entry in ClinVar:

ClinVar aggregate classification (germline): Pathogenic (1 of 4 stars; one submission).

Conditions:
Autosomal recessive limb-girdle muscular dystrophy type 2U. Also called: Muscular dystrophy-dystroglycanopathy (limb-girdle), type c, 7; MUSCULAR DYSTROPHY, LIMB-GIRDLE, TYPE 2U. Identifiers: Orphanet 352479, MedGen C5190987, MONDO:0014474, OMIM 616052.
Muscular dystrophy-dystroglycanopathy (congenital with brain and eye anomalies), type A, 7. Also called: WALKER-WARBURG SYNDROME OR MUSCLE-EYE-BRAIN DISEASE, ISPD-RELATED; Congenital muscular dystrophy-dystroglycanopathy with brain and eye anomalies, type A7. Identifiers: Orphanet 899, MedGen C3553330, MONDO:0013835, OMIM 614643.

Allele frequency attached by ClinVar (database versions not stated): gnomAD exomes below 0.00001.

Submission:

Labcorp Genetics (formerly Invitae), Labcorp
Classification: Pathogenic for Muscular dystrophy-dystroglycanopathy (congenital with brain and eye anomalies), type A, 7; Autosomal recessive limb-girdle muscular dystrophy type 2U. Last evaluated: 2022-12-05. Review status: criteria provided, single submitter. Criteria: Invitae Variant Classification Sherloc (09022015). Collection method: clinical testing. Allele origin: germline.
Comment: This sequence change creates a premature translational stop signal (p.Pro5Argfs*17) in the ISPD gene. It is expected to result in an absent or disrupted protein product. Loss-of-function variants in ISPD are known to be pathogenic (PMID: 23288328). This variant is not present in population databases (gnomAD no frequency). This variant has not been reported in the literature in individuals affected with ISPD-related conditions. For these reasons, this variant has been classified as Pathogenic.

Literature cited by the submitters: PubMed 23288328.

NM_001101426.4(CRPPA):c.6_13dup (p.Pro5fs)

Genes: CRPPA (CDP-L-ribitol pyrophosphorylase A; minus strand), LOC129998005 (ATAC-STARR-seq lymphoblastoid silent region 17982; plus strand). Cytogenetic location: 7p21.2.
Variant type: Duplication.
Coding change: c.6_13dup on transcript NM_001101426.4 (MANE Select); coding-DNA positions 6 to 13, 8 bases duplicated (GGCCGGGC; older notation c.6_13dupGGCCGGGC).
Protein change: p.Pro5fs; shifts the reading frame from proline 5.
Molecular consequence: frameshift variant. On other transcripts: non-coding transcript variant (1).
Genome position (GRCh38, 1-based): chr7:16,421,310-16,421,317, GCCCGGCC duplicated on the plus strand (GGCCGGGC on the coding strand, the reverse complement: CRPPA is on the minus strand). VCF-style (leftmost placement, unchanged base first): chr7-16421309-G-GGCCCGGCC. GRCh37 (hg19) VCF-style: chr7-16460934-G-GGCCCGGCC.
Other names: c.6_13dup, p.Pro5fs (NM_001101417.4, NM_001368197.1); short protein forms P5fs.
Identifiers: ClinVar variation 2941204 (VCV002941204.3), dbSNP rs2546759308, ClinGen allele CA2681860946.